The following is an entry in ClinVar:

ClinVar aggregate classification (germline): Uncertain significance. Review status: criteria provided, multiple submitters, no conflicts (2 of 4 stars). 2 submissions from 2 submitters: Uncertain significance (2). Last evaluated 2025-04-05.

Conditions:
Cardiovascular phenotype. Identifiers: MedGen CN230736.
Walker-Warburg congenital muscular dystrophy. Also called: Muscular dystrophy-dystroglycanopathy, type A; Walker-Warburg syndrome. Identifiers: Orphanet 899, MedGen C0265221, MONDO:0000171.

Allele frequency attached by ClinVar (database versions not stated): TOPMed 0.00003; gnomAD exomes 0.00001; gnomAD 0.00001; ExAC 0.00003; 1000 Genomes Project 30x 0.00016.

Submissions (2):

Ambry Genetics
Classification: Uncertain significance for Cardiovascular phenotype. Last evaluated: 2025-04-05. Review status: criteria provided, single submitter. Criteria: Ambry Variant Classification Scheme 2023. Collection method: clinical testing. Allele origin: germline.
Comment: The p.L449P variant (also known as c.1346T>C), located in coding exon 1 of the FKRP gene, results from a T to C substitution at nucleotide position 1346. The leucine at codon 449 is replaced by proline, an amino acid with similar properties. This amino acid position is conserved. In addition, this alteration is predicted to be deleterious by in silico analysis. Since supporting evidence is limited at this time, the clinical significance of this alteration remains unclear.

Labcorp Genetics (formerly Invitae), Labcorp
Classification: Uncertain significance for Walker-Warburg congenital muscular dystrophy. Last evaluated: 2021-09-17. Review status: criteria provided, single submitter. Criteria: Invitae Variant Classification Sherloc (09022015). Collection method: clinical testing. Allele origin: germline.
Comment: This sequence change replaces leucine with proline at codon 449 of the FKRP protein (p.Leu449Pro). The leucine residue is moderately conserved and there is a moderate physicochemical difference between leucine and proline. This variant is present in population databases (rs780817621, ExAC 0.04%). This variant has not been reported in the literature in individuals with FKRP-related conditions. Algorithms developed to predict the effect of missense changes on protein structure and function are either unavailable or do not agree on the potential impact of this missense change (SIFT: "Deleterious"; PolyPhen-2: "Probably Damaging"; Align-GVGD: "Class C0"). In summary, the available evidence is currently insufficient to determine the role of this variant in disease. Therefore, it has been classified as a Variant of Uncertain Significance.

NM_024301.5(FKRP):c.1346T>C (p.Leu449Pro)

Gene: FKRP (fukutin related protein; plus strand). Cytogenetic location: 19q13.32.
Variant type: single nucleotide variant.
Coding change: c.1346T>C on transcript NM_024301.5 (MANE Select); coding-DNA position 1346, T replaced by C.
Protein change: p.Leu449Pro; replaces leucine 449 with proline.
Molecular consequence: missense variant.
Genome position (GRCh38, 1-based): chr19:46,756,796, T>C. VCF-style: chr19-46756796-T-C. GRCh37 (hg19) VCF-style: chr19-47260053-T-C.
Other names: c.1346T>C, p.Leu449Pro (NM_001039885.3); c.1346T>C (NM_024301.4); short protein forms L449P.
Identifiers: ClinVar variation 2171052 (VCV002171052.4), dbSNP rs780817621, ClinGen allele CA9532301.